The following is an entry in ClinVar:

ClinVar aggregate classification (germline): Conflicting classifications of pathogenicity. Review status: criteria provided, conflicting classifications (1 of 4 stars). 6 submissions from 6 submitters: Pathogenic (1); Likely pathogenic (3); Uncertain significance (1). 1 of the submissions does not count toward it. Last evaluated 2026-09-24.

Conditions:
Centronuclear myopathy (CNM). Also called: Centronuclear myopathy, congenital; Myotubular myopathy. Identifiers: Orphanet 595, MedGen C0175709, MONDO:0018947. Inheritance: All.
Malignant hyperthermia, susceptibility to, 1 (MHS1). Also called: RYR1-Related Malignant Hyperthermia Susceptibility; Malignant hyperthermia suceptibility 1; Anesthesia related hyperthermia; Malignant hyperpyrexia; Fulminating hyperpyrexia; Pharmacogenic myopathy. Identifiers: Orphanet 423, MedGen C2930980, MONDO:0007783, OMIM 145600.
Congenital multicore myopathy with external ophthalmoplegia (CMYO1B). Also called: MULTIMINICORE DISEASE WITH EXTERNAL OPHTHALMOPLEGIA; Minicore myopathy with external ophthalmoplegia; MULTICORE MYOPATHY; Congenital myopathy 1B, autosomal recessive; Minicore myopathy. Identifiers: Orphanet 598, Orphanet 98905, MedGen C1850674, MONDO:0009712, OMIM 255320, HP:0003789.
Congenital myopathy with fiber type disproportion. Also called: Congenital fiber-type disproportion myopathy; Congenital fiber-type disproportion. Identifiers: Orphanet 2020, MedGen C0546264, MONDO:0009711. Inheritance: all.
Central core myopathy (CMYO1A). Also called: CONGENITAL MYOPATHY 1A, AUTOSOMAL DOMINANT, WITH SUSCEPTIBILITY TO MALIGNANT HYPERTHERMIA; Central core disease; Myopathy, central fibrillar. Identifiers: Orphanet 597, MedGen C5830701, MONDO:0007294, OMIM 117000.
King Denborough syndrome (KDS). Identifiers: MedGen C1840365, MONDO:0020485, OMIM 619542.
RYR1-related disorder. Also called: RYR1-related disorders; RYR1-related condition. Identifiers: MedGen CN239331.

Allele frequency attached by ClinVar (database versions not stated): TOPMed 0.00001; gnomAD exomes 0.00001.
gnomAD v4.1: 3 of 1,611,888 alleles (0.00019%); highest among the groups gnomAD compares: Non-Finnish European, 0.00025%; no homozygotes.

Submissions (6):

GeneDx
Classification: Pathogenic. Last evaluated: 2026-09-24. Review status: criteria provided, single submitter. Criteria: GeneDx Variant Classification Process June 2021. Collection method: clinical testing. Allele origin: germline.
Comment: Canonical splice site variant predicted to result in a null allele in a gene for which loss of function is a known mechanism of disease; Not observed at significant frequency in large population cohorts (gnomAD); Has not been previously published as pathogenic or benign to our knowledge

Color Diagnostics, LLC DBA Color Health
Classification: Uncertain significance for Malignant hyperthermia, susceptibility to, 1. Last evaluated: 2025-07-29. Review status: criteria provided, single submitter. Criteria: ACMG Guidelines, 2015. Collection method: clinical testing. Allele origin: germline.
Comment: This variant causes a G to T nucleotide substitution at +1 position of intron 82 of the RYR1 gene. To our knowledge, functional studies have not been reported for this variant. This variant has not been reported in individuals affected with autosomal dominant malignant hyperthermia susceptibility in the literature. This variant has been identified in 3/247776 chromosomes in the general population by the Genome Aggregation Database (gnomAD). This variant is associated with myopathy phenotypes (ClinVar Variation ID: 379718). However, the available evidence is insufficient to determine the role of this variant in malignant hyperthermia susceptibility conclusively. Therefore, this variant is classified as a Variant of Uncertain Significance.

Labcorp Genetics (formerly Invitae), Labcorp
Classification: Likely pathogenic for RYR1-related disorder. Last evaluated: 2024-03-07. Review status: criteria provided, single submitter. Criteria: Invitae Variant Classification Sherloc (09022015). Collection method: clinical testing. Allele origin: germline.
Comment: This sequence change affects a donor splice site in intron 82 of the RYR1 gene. It is expected to disrupt RNA splicing. Variants that disrupt the donor or acceptor splice site typically lead to a loss of protein function (PMID: 16199547), and loss-of-function variants in RYR1 are known to be pathogenic (PMID: 23919265, 25960145, 28818389, 30611313). The frequency data for this variant in the population databases is considered unreliable, as metrics indicate poor data quality at this position in the gnomAD database. Disruption of this splice site has been observed in individual(s) with autosomal recessive RYR1-related conditions (Invitae). ClinVar contains an entry for this variant (Variation ID: 379718). Algorithms developed to predict the effect of sequence changes on RNA splicing suggest that this variant may disrupt the consensus splice site. In summary, the currently available evidence indicates that the variant is pathogenic, but additional data are needed to prove that conclusively. Therefore, this variant has been classified as Likely Pathogenic.

Fulgent Genetics
Classification: Likely pathogenic for Central core myopathy; Malignant hyperthermia, susceptibility to, 1; Congenital myopathy 4A, autosomal dominant; Congenital multicore myopathy with external ophthalmoplegia; King Denborough syndrome. Last evaluated: 2021-07-26. Review status: criteria provided, single submitter. Criteria: ACMG Guidelines, 2015. Collection method: clinical testing. Allele origin: unknown.

Laboratory for Molecular Medicine, Mass General Brigham Personalized Medicine
Classification: Likely pathogenic for Centronuclear myopathy. Last evaluated: 2020-08-11. Review status: criteria provided, single submitter. Criteria: ACMG Guidelines, 2015. Collection method: clinical testing. Allele origin: germline.
Comment: The c.11590+1G>T variant in RYR1 has not been previously reported in individuals with RYR1-related myopathies and has been identified in 0.003% (3/112590) of European chromosomes by gnomAD. This variant has also been reported in ClinVar (Variation ID 379718). This variant occurs within the canonical splice site (+/- 1,2) and is predicted to cause altered splicing leading to an abnormal or absent protein. Biallelic loss of function of the RYR1 gene is an established disease mechanism in autosomal recessive congenital fiber type disproportion (CFTD), multiminicore disease (MmD) and centronuclear myopathy (CNM) (Clarke 2010 PMID: 20583297, Amburgey 2013 PMID: 23919265). In summary, although additional studies are required to fully establish its clinical significance, this variant meets criteria to be classified as likely pathogenic for autosomal recessive RYR1-related myopathies. ACMG/AMP Criteria applied: PVS1, PM2.

All of Us Research Program, National Institutes of Health
Classification: Uncertain significance for Malignant hyperthermia, susceptibility to, 1. Last evaluated: 2024-08-06. Review status: flagged submission. Criteria: ACMG Guidelines, 2015. Collection method: clinical testing. Allele origin: germline. Inheritance: Autosomal dominant inheritance. Observed: 3 variant alleles, 3 heterozygotes. Not counted in ClinVar's aggregate classification.
Comment: This variant causes a G to T nucleotide substitution at the +1 position of intron 82 of the RYR1 gene. Splice site prediction tools suggest that this variant may have a significant impact on RNA splicing. Although this prediction has not been confirmed in published RNA studies, this variant is expected to result in an absent or disrupted protein product. This variant has not been reported in individuals affected with RYR1-related disorders in the literature. Loss of RYR1 function due to haploinsufficiency is not an established disease mechanism for autosomal dominant malignant hyperthermia susceptibility, although it has been associated with other phenotypes (ClinVar Variation ID: 379718). This variant has been identified in 3/247776 chromosomes in the general population by the Genome Aggregation Database (gnomAD). Due to insufficient evidence, this variant is classified as a Variant of Uncertain Significance for autosomal dominant malignant hyperthermia.

This study involves interpretation of variants in research participants for the purpose of population health screening. Participant phenotype was not available at the time of variant classification. Additional details can be found in publication PMID: 35346344, PMCID: PMC8962531
ClinVar note: Reason: Outlier claim with insufficient supporting evidence

Literature cited by the submitters: PubMed 16199547 (cited by Labcorp Genetics (formerly Invitae), Labcorp); PubMed 23919265 (cited by Labcorp Genetics (formerly Invitae), Labcorp and Laboratory for Molecular Medicine, Mass General Brigham Personalized Medicine); PubMed 25960145 (cited by Labcorp Genetics (formerly Invitae), Labcorp); PubMed 28818389 (cited by Labcorp Genetics (formerly Invitae), Labcorp); PubMed 30611313 (cited by Labcorp Genetics (formerly Invitae), Labcorp); PubMed 20583297 (cited by Laboratory for Molecular Medicine, Mass General Brigham Personalized Medicine).

NM_000540.3(RYR1):c.11590+1G>T

Gene: RYR1 (ryanodine receptor 1; plus strand). Cytogenetic location: 19q13.2.
Variant type: single nucleotide variant.
Coding change: c.11590+1G>T on transcript NM_000540.3 (MANE Select); the canonical splice donor site of the intron after coding-DNA position 11590, G replaced by T.
Molecular consequence: splice donor variant.
Genome position (GRCh38, 1-based): chr19:38,536,071, G>T. VCF-style: chr19-38536071-G-T. GRCh37 (hg19) VCF-style: chr19-39026711-G-T.
Other names: c.11575+1G>T (NM_001042723.2).
Identifiers: ClinVar variation 379718 (VCV000379718.17), dbSNP rs113928116, ClinGen allele CA16608213.